The following is an entry in ClinVar:

NM_001369.3(DNAH5):c.2307del (p.Ile770fs)

Genes: DNAH5 (dynein axonemal heavy chain 5; minus strand), DNAH5-AS1 (DNAH5 antisense RNA 1; plus strand). Cytogenetic location: 5p15.2.
Variant type: Deletion.
Coding change: c.2307del on transcript NM_001369.3 (MANE Select); coding-DNA position 2307, one base deleted (C; older notation c.2307delC).
Protein change: p.Ile770fs; shifts the reading frame from isoleucine 770.
Molecular consequence: frameshift variant.
Genome position (GRCh38, 1-based): chr5:13,894,774, G deleted on the plus strand (C on the coding strand, the reverse complement: DNAH5 is on the minus strand); the first of 2 consecutive G bases (chr5:13,894,774-13,894,775); deleting either gives the same sequence. VCF-style (leftmost placement, unchanged base first): chr5-13894773-TG-T. GRCh37 (hg19) VCF-style: chr5-13894882-TG-T.
Other names: short protein forms I770fs.
Identifiers: ClinVar variation 5011472 (VCV005011472.1).

ClinVar aggregate classification (germline): Pathogenic (1 of 4 stars; one submission).

Conditions:
Primary ciliary dyskinesia 3. Identifiers: Orphanet 244, MedGen C1837618, MONDO:0012085, OMIM 608644.

Submission:

Myriad Genetics, Inc.
Classification: Pathogenic for Primary ciliary dyskinesia 3. Last evaluated: 2023-08-25. Review status: criteria provided, single submitter. Criteria: Myriad Autosomal Dominant, Autosomal Recessive and X-Linked Classification Criteria (2023). Collection method: clinical testing. Allele origin: unknown.
Comment: NM_001369.2(DNAH5):c.2307delC(I770Lfs*4) is expected to be pathogenic in the context of primary ciliary dyskinesia, DNAH5-related. This variant is predicted to lead to an abnormal or absent protein product due to the creation of a premature termination codon in DNAH5, a gene where loss-of-function variants are known to be pathogenic. Please note: this variant was assessed in the context of healthy population screening.